The following is an entry in ClinVar:

ClinVar aggregate classification (germline): Pathogenic. Review status: reviewed by expert panel (3 of 4 stars). 4 submissions from 4 submitters: Pathogenic (1). 3 of the submissions do not count toward it. Last evaluated 2018-12-08.

Conditions:
Phenylketonuria (PKU). Also called: Phenylketonuria (PKU); FOLLING DISEASE; OLIGOPHRENIA PHENYLPYRUVICA; Phenylketonurias. Identifiers: Orphanet 716, MedGen C0031485, MONDO:0009861, OMIM 261600. Disease mechanism: loss of function.

Submissions (4):

ClinGen PAH Variant Curation Expert Panel
Classification: Pathogenic for Phenylketonuria. Last evaluated: 2018-12-08. Review status: reviewed by expert panel. Criteria: ClinGen PAH ACMG Specifications v1. Collection method: curation. Allele origin: germline. Inheritance: Autosomal recessive inheritance.
Comment: The c.754C>G (p.Arg252Gly) variant in PAH has been reported in multiple individuals with Classic PKU (BH4 deficiency excluded). (PP4_Moderate; PMID: 1363786, 9634518). This variant is absent in population databases (PM2). This variant has 3% enzyme activity (PS3; PMID: 9799096). Computational prediction tools and conservation analysis suggest this variant may impact the protein (PP3). This missense change is at an amino acid residue where different pathogenic missense changes have been seen before (p.Arg252Gln/Trp). In summary, this variant meets criteria to be classified as pathogenic for PAH. PAH-specific ACMG/AMP criteria applied: PP4_Moderate, PS3, PM2, PM5, PP3.

Baylor Genetics
Classification: Likely pathogenic for Phenylketonuria. Last evaluated: 2023-07-18. Review status: criteria provided, single submitter. Criteria: ACMG Guidelines, 2015. Collection method: clinical testing. Allele origin: unknown. Not counted in ClinVar's aggregate classification.

Counsyl
Classification: Likely pathogenic for Phenylketonuria. Last evaluated: 2018-05-01. Review status: no assertion criteria provided. Collection method: clinical testing. Allele origin: unknown. Not counted in ClinVar's aggregate classification.

DeBelle Laboratory for Biochemical Genetics, MUHC/MCH RESEARCH INSTITUTE
No classification provided. Review status: no classification provided. Collection method: not provided. Allele origin: not provided. Not counted in ClinVar's aggregate classification.

Literature cited by the submitters: PubMed 9799096 (cited by ClinGen PAH Variant Curation Expert Panel and Counsyl); PubMed 1363786 (cited by ClinGen PAH Variant Curation Expert Panel and Counsyl); PubMed 9634518 (cited by ClinGen PAH Variant Curation Expert Panel and Counsyl); PubMed 17924342 (cited by Counsyl); PubMed 28982351 (cited by Counsyl); PubMed 22526846 (cited by Counsyl); PubMed 10394930 (cited by Counsyl).

NM_000277.3(PAH):c.754C>G (p.Arg252Gly)

Gene: PAH (phenylalanine hydroxylase; minus strand). Cytogenetic location: 12q23.2.
Variant type: single nucleotide variant.
Coding change: c.754C>G on transcript NM_000277.3 (MANE Select); coding-DNA position 754, C replaced by G.
Protein change: p.Arg252Gly; replaces arginine 252 with glycine.
Molecular consequence: missense variant.
Genome position (GRCh38, 1-based): chr12:102,852,903, G>C on the plus strand (C>G on the coding strand, the complement: PAH is on the minus strand). VCF-style: chr12-102852903-G-C. GRCh37 (hg19) VCF-style: chr12-103246681-G-C.
Other names: NM_000277.1(PAH):c.754C>G; c.754C>G, p.Arg252Gly (NM_001354304.2); short protein forms R252G.
Identifiers: ClinVar variation 102823 (VCV000102823.5), dbSNP rs5030847, ClinGen allele CA229742.
Genomic context (GRCh38, chr12:102,852,903, plus strand): 5'-CATGTCTGATGTACTGTGTGCAGTGGAAGACTCGGAAGGCCAGGCCACCCAAGAAATCCC[G>C]AGAGGAAAGCAGGCCAGCCACAGGTCGGAGGCGGAAACCAGTGCAAGCTGGGATGAAAAG-3'
Protein context (NP_000268.1, residues 242-262): LRPVAGLLSS[Arg252Gly]DFLGGLAFRV